The following is an entry in ClinVar:

NM_024675.4(PALB2):c.2148_2150dup (p.Asp717dup)

Gene: PALB2 (partner and localizer of BRCA2; minus strand). Cytogenetic location: 16p12.2.
Variant type: Duplication.
Coding change: c.2148_2150dup on transcript NM_024675.4 (MANE Select); coding-DNA positions 2148 to 2150, 3 bases duplicated (TGA; older notation c.2148_2150dupTGA).
Protein change: p.Asp717dup; duplicates aspartic acid 717.
Molecular consequence: inframe insertion.
Genome position (GRCh38, 1-based): chr16:23,630,004-23,630,006, TCA duplicated on the plus strand (TGA on the coding strand, the reverse complement: PALB2 is on the minus strand); duplicating any 3 consecutive bases within chr16:23,630,004-23,630,007 gives the same sequence; the c. name uses the placement nearest the transcript's 3' end. VCF-style (leftmost placement, unchanged base first): chr16-23630003-G-GTCA. GRCh37 (hg19) VCF-style: chr16-23641324-G-GTCA.
Identifiers: ClinVar variation 1396804 (VCV001396804.7), dbSNP rs2142379788, ClinGen allele CA2573152218.

ClinVar aggregate classification (germline): Uncertain significance (1 of 4 stars; one submission).

Conditions:
Familial cancer of breast. Also called: hereditary breast carcinoma; Hereditary breast cancer; BREAST CANCER, FAMILIAL. Identifiers: Orphanet 227535, MedGen C0346153, MONDO:0016419, OMIM 114480. Disease mechanism: loss of function.

Submission:

Labcorp Genetics (formerly Invitae), Labcorp
Classification: Uncertain significance for Familial cancer of breast. Last evaluated: 2025-06-24. Review status: criteria provided, single submitter. Criteria: Invitae Variant Classification Sherloc (09022015). Collection method: clinical testing. Allele origin: germline.
Comment: This variant, c.2148_2150dup, results in the insertion of 1 amino acid(s) of the PALB2 protein (p.Asp717dup), but otherwise preserves the integrity of the reading frame. This variant is not present in population databases (gnomAD no frequency). This variant has not been reported in the literature in individuals affected with PALB2-related conditions. ClinVar contains an entry for this variant (Variation ID: 1396804). In summary, the available evidence is currently insufficient to determine the role of this variant in disease. Therefore, it has been classified as a Variant of Uncertain Significance.